The following is an entry in ClinVar:

NM_017946.4(FKBP14):c.493AAG[1] (p.Lys166del)

Genes: FKBP14 (FKBP prolyl isomerase 14; minus strand), FKBP14-AS1 (FKBP14 antisense RNA 1; plus strand). Cytogenetic location: 7p14.3.
Variant type: Microsatellite.
Coding change: c.493AAG[1] on transcript NM_017946.4 (MANE Select); one copy of the 3-base unit AAG starting at c.493; the reference has two copies in a row; one copy, 3 bases deleted; also written c.496_498del.
Protein change: p.Lys166del; deletes lysine 166.
Molecular consequence: inframe deletion. On other transcripts: non-coding transcript variant (2).
Genome position (GRCh38, 1-based): chr7:30,014,873-30,014,875, CTT deleted on the plus strand (AAG on the coding strand, the reverse complement: FKBP14 is on the minus strand); deleting any 3 consecutive bases within chr7:30,014,873-30,014,878 gives the same sequence; the position shown is the placement nearest the transcript's 3' end. VCF-style (leftmost placement, unchanged base first): chr7-30014872-CCTT-C. GRCh37 (hg19) VCF-style: chr7-30054488-CCTT-C.
Other names: p.Lys166del; c.496_498delAAG (NM_017946.3, NM_017946.4); c.496_498del (NM_017946.4); short protein forms K166del.
Identifiers: ClinVar variation 432169 (VCV000432169.69), dbSNP rs542254849, ClinGen allele CA4203388.
Genomic context (GRCh38, chr7:30,014,872, plus strand): 5'-TATCCTCCACCAAAGCATCATGATGACTTTCATTCACCACCGCACCATGTTTTTCAAACT[CCTT>C]CTTTAAATATGCTTTAACCTACAAAATAACAGATCCCATTAATAACTTGGATTCATAAGA-3'

ClinVar aggregate classification (germline): Conflicting classifications of pathogenicity. Review status: criteria provided, conflicting classifications (1 of 4 stars). 10 submissions from 10 submitters: Uncertain significance (2); Benign (1); Likely benign (6). 1 of the submissions does not count toward it. Last evaluated 2026-06-10.

Conditions:
FKBP14-related disorder. Also called: FKBP14-related condition.
Cardiovascular phenotype. Identifiers: MedGen CN230736.
Ehlers-Danlos syndrome (EDS). Identifiers: Orphanet 98249, MedGen C0013720, MONDO:0020066.
Ehlers-Danlos syndrome, kyphoscoliotic type, 2. Also called: Ehlers-Danlos syndrome, kyphoscoliotic and deafness type; Ehlers-Danlos syndrome with progressive kyphoscoliosis, myopathy, and hearing loss; FKBP14-Kyphoscoliotic Ehlers-Danlos Syndrome. Identifiers: Orphanet 300179, MedGen C3281160, MONDO:0013800, OMIM 614557.

Submissions (10):

Women's Health and Genetics/Laboratory Corporation of America, LabCorp
Classification: Likely benign. Last evaluated: 2026-06-10. Review status: criteria provided, single submitter. Criteria: LabCorp Variant Classification Summary - May 2015. Collection method: clinical testing. Allele origin: germline.
Comment: Variant summary: FKBP14 c.496_498delAAG (p.Lys166del) results in an in-frame deletion that is predicted to remove one amino acid from the encoded protein. The variant allele was found at a frequency of 0.001 in 229478 control chromosomes, predominantly at a frequency of 0.002 within the South Asian subpopulation in the gnomAD database, including 2 homozygotes. The observed variant frequency within South Asian control individuals in the gnomAD database exceeds the estimated maximal expected allele frequency for disease-causing variants in FKBP14. To our knowledge, no occurrence of c.496_498delAAG in individuals affected with FKBP14-related conditions and no experimental evidence demonstrating its impact on protein function have been reported. ClinVar contains an entry for this variant (Variation ID: 432169). Based on the evidence outlined above, the variant was classified as likely benign.

CeGaT Center for Human Genetics Tuebingen
Classification: Likely benign. Last evaluated: 2026-05-01. Review status: criteria provided, single submitter. Criteria: CeGaT Center For Human Genetics Tuebingen Variant Classification Criteria Version 2. Collection method: clinical testing. Allele origin: germline. Affected: yes. Observed: 9 variant alleles.
Comment: FKBP14: PM4, BS2

Labcorp Genetics (formerly Invitae), Labcorp
Classification: Likely benign for Ehlers-Danlos syndrome, kyphoscoliotic type, 2. Last evaluated: 2026-01-28. Review status: criteria provided, single submitter. Criteria: Invitae Variant Classification Sherloc (09022015). Collection method: clinical testing. Allele origin: germline.

Blueprint Genetics
Classification: Likely benign. Last evaluated: 2024-11-01. Review status: criteria provided, single submitter. Criteria: ACMG Guidelines, 2015. Collection method: clinical testing. Allele origin: germline.

Ambry Genetics
Classification: Uncertain significance for Cardiovascular phenotype. Last evaluated: 2024-04-17. Review status: criteria provided, single submitter. Criteria: Ambry Variant Classification Scheme 2023. Collection method: clinical testing. Allele origin: germline.
Comment: The c.496_498delAAG variant (also known as p.K166del), located in coding exon 4 of the FKBP14 gene, results from an in-frame AAG deletion at nucleotide positions 496 to 498. This results in the in-frame deletion of a lysine at codon 166. This variant was reported in one heterozygous individual from a cervical insufficiency cohort (Volozonoka L et al. PLoS One, 2020 Mar;15:e0230771). This amino acid position is well conserved in available vertebrate species. In addition, this alteration is predicted to be deleterious by in silico analysis (Choi Y et al. PLoS ONE. 2012; 7(10):e46688). Since supporting evidence is limited at this time, the clinical significance of this alteration remains unclear.

Mayo Clinic Laboratories, Mayo Clinic
Classification: Benign. Last evaluated: 2023-03-16. Review status: criteria provided, single submitter. Criteria: ACMG Guidelines, 2015. Collection method: clinical testing. Allele origin: germline. Observed: 10 variant alleles.
Comment: BS1, BS2

GeneDx
Classification: Likely benign. Last evaluated: 2022-06-01. Review status: criteria provided, single submitter. Criteria: GeneDx Variant Classification Process June 2021. Collection method: clinical testing. Allele origin: germline. Affected: yes.
Comment: See Variant Classification Assertion Criteria.

Genome Diagnostics Laboratory, The Hospital for Sick Children
Classification: Likely benign for Ehlers-Danlos syndrome. Last evaluated: 2022-01-31. Review status: criteria provided, single submitter. Criteria: ACMG Guidelines, 2015. Collection method: clinical testing. Allele origin: germline.

Eurofins Ntd Llc (ga)
Classification: Uncertain significance. Last evaluated: 2017-01-17. Review status: criteria provided, single submitter. Criteria: EGL Classification Definitions 2015. Collection method: clinical testing. Allele origin: germline. Observed: 2 variant alleles, 2 heterozygotes.

PreventionGenetics, part of Exact Sciences
Classification: Likely benign for FKBP14-related condition. Last evaluated: 2022-04-12. Review status: no assertion criteria provided. Collection method: clinical testing. Allele origin: germline. Not counted in ClinVar's aggregate classification.
Comment: This variant is classified as likely benign based on ACMG/AMP sequence variant interpretation guidelines (Richards et al. 2015 PMID: 25741868, with internal and published modifications).

Literature cited by the submitters: PubMed 32214361 (cited by Ambry Genetics and Mayo Clinic Laboratories, Mayo Clinic).